The following is an entry in ClinVar:

NM_001482.3(GATM):c.77G>T (p.Arg26Leu)

Gene: GATM (glycine amidinotransferase; minus strand). Cytogenetic location: 15q21.1.
Variant type: single nucleotide variant.
Coding change: c.77G>T on transcript NM_001482.3 (MANE Select); coding-DNA position 77, G replaced by T.
Protein change: p.Arg26Leu; replaces arginine 26 with leucine.
Molecular consequence: missense variant. On other transcripts: 5 prime UTR variant (1).
Genome position (GRCh38, 1-based): chr15:45,376,812, C>A on the plus strand (G>T on the coding strand, the complement: GATM is on the minus strand). VCF-style: chr15-45376812-C-A. GRCh37 (hg19) VCF-style: chr15-45669010-C-A.
Other names: c.-311G>T (NM_001321015.2); c.77G>T (NM_001482.2); short protein forms R26L.
Identifiers: ClinVar variation 2900497 (VCV002900497.4), dbSNP rs1193533349, ClinGen allele CA392266027.

ClinVar aggregate classification (germline): Uncertain significance. Review status: criteria provided, multiple submitters, no conflicts (2 of 4 stars). 2 submissions from 2 submitters: Uncertain significance (2). Last evaluated 2026-05-26.

Conditions:
Inborn genetic diseases. Identifiers: MedGen C0950123, MeSH D030342.
Arginine:glycine amidinotransferase deficiency (CCDS3). Also called: L-Arginine:Glycine Amidinotransferase Deficiency; Cerebral creatine deficiency syndrome 3; AGAT deficiency; Creatine deficiency syndrome due to AGAT deficiency; GATM deficiency; L-Arginine:Glycine Amidinotransferase (AGAT) Deficiency. Identifiers: Orphanet 35704, MedGen C2675179, MONDO:0012996, OMIM 612718.

Allele frequency attached by ClinVar (database versions not stated): gnomAD 0.00001.
gnomAD v4.1: 3 of 1,613,512 alleles (0.00019%); highest among the groups gnomAD compares: Non-Finnish European, 0.00025%; no homozygotes.

Submissions (2):

Ambry Genetics
Classification: Uncertain significance for Inborn genetic diseases. Last evaluated: 2026-05-26. Review status: criteria provided, single submitter. Criteria: Ambry Variant Classification Scheme 2023. Collection method: clinical testing. Allele origin: germline.

Labcorp Genetics (formerly Invitae), Labcorp
Classification: Uncertain significance for Arginine:glycine amidinotransferase deficiency. Last evaluated: 2026-01-28. Review status: criteria provided, single submitter. Criteria: Invitae Variant Classification Sherloc (09022015). Collection method: clinical testing. Allele origin: germline.
Comment: This sequence change replaces arginine, which is basic and polar, with leucine, which is neutral and non-polar, at codon 26 of the GATM protein (p.Arg26Leu). This variant is not present in population databases (gnomAD no frequency). This variant has not been reported in the literature in individuals affected with GATM-related conditions. ClinVar contains an entry for this variant (Variation ID: 2900497). Invitae Evidence Modeling of protein sequence and biophysical properties (such as structural, functional, and spatial information, amino acid conservation, physicochemical variation, residue mobility, and thermodynamic stability) indicates that this missense variant is not expected to disrupt GATM protein function with a negative predictive value of 95%. In summary, the available evidence is currently insufficient to determine the role of this variant in disease. Therefore, it has been classified as a Variant of Uncertain Significance.